The following is an entry in ClinVar:

NM_000975.5(RPL11):c.47G>A (p.Arg16His)

Gene: RPL11 (ribosomal protein L11; plus strand). Cytogenetic location: 1p36.11.
Variant type: single nucleotide variant.
Coding change: c.47G>A on transcript NM_000975.5 (MANE Select); coding-DNA position 47, G replaced by A.
Protein change: p.Arg16His; replaces arginine 16 with histidine.
Molecular consequence: missense variant.
Genome position (GRCh38, 1-based): chr1:23,692,649, G>A. VCF-style: chr1-23692649-G-A. GRCh37 (hg19) VCF-style: chr1-24019139-G-A.
Other names: c.44G>A, p.Arg15His (NM_001199802.1); short protein forms R15H, R16H.
Identifiers: ClinVar variation 3047938 (VCV003047938.2), dbSNP rs2523394908, ClinGen allele CA338991476.

ClinVar aggregate classification (germline): Uncertain significance (0 of 4 stars; one submission).

Conditions:
RPL11-related disorder. Also called: RPL11-related condition.

Allele frequency attached by ClinVar (database versions not stated): gnomAD exomes below 0.00001.
gnomAD v4.1: 2 of 1,614,124 alleles (0.00012%); highest among the groups gnomAD compares: Non-Finnish European, 0.00017%; no homozygotes.

Submission:

PreventionGenetics, part of Exact Sciences
Classification: Uncertain significance for RPL11-related condition. Last evaluated: 2024-05-08. Review status: no assertion criteria provided. Collection method: clinical testing. Allele origin: germline.
Comment: The RPL11 c.47G>A variant is predicted to result in the amino acid substitution p.Arg16His. To our knowledge, this variant has not been reported in the literature or in a large population database, indicating this variant is rare. At this time, the clinical significance of this variant is uncertain due to the absence of conclusive functional and genetic evidence.